The following is an entry in ClinVar:

NM_000179.3(MSH6):c.4001+5_4001+62dup

Gene: MSH6 (mutS homolog 6; plus strand). Cytogenetic location: 2p16.3.
Variant type: Duplication.
Coding change: c.4001+5_4001+62dup on transcript NM_000179.3 (MANE Select); bases 5 to 62 of the intron after coding-DNA position 4001, 58 bases duplicated.
Molecular consequence: intron variant.
Genome position (GRCh38, 1-based): chr2:47,806,656-47,806,713, 58 bases duplicated. GRCh37 (hg19): chr2:48,033,795-48,033,852.
Other names: c.3095+5_3095+62dup (NM_001406812.1, NM_001406816.1, NM_001406811.1 and 6 more transcripts); c.3704+5_3704+62dup (NM_001406797.1, NM_001406801.1, NM_001406805.1 and 10 more transcripts); c.3476+5_3476+62dup (NM_001406806.1, NM_001406799.1, NM_001406807.1); c.3923+5_3923+62dup (NM_001406804.1); c.3611+5_3611+62dup (NM_001281492.2); c.4001+5_4001+62dup (NM_001406809.1, NM_001406796.1, NM_001406808.1); c.4097+5_4097+62dup (NM_001406795.1); c.3898-123_3898-66dup (NM_001406802.1); and 9 more.
Identifiers: ClinVar variation 2587331 (VCV002587331.5), dbSNP rs2530879973, ClinGen allele CA2582342383.

ClinVar aggregate classification (germline): Conflicting classifications of pathogenicity. Review status: criteria provided, conflicting classifications (1 of 4 stars). 2 submissions from 2 submitters: Uncertain significance (1); Likely benign (1). Last evaluated 2025-01-28.

Conditions:
Hereditary cancer-predisposing syndrome. Also called: Tumor predisposition; Hereditary Cancer Syndrome; Hereditary neoplastic syndrome; Neoplastic Syndromes, Hereditary. Identifiers: Orphanet 140162, MedGen C0027672, MeSH D009386, MONDO:0015356.
Hereditary nonpolyposis colorectal neoplasms. Identifiers: MedGen C0009405, MeSH D003123.

Submissions (2):

Labcorp Genetics (formerly Invitae), Labcorp
Classification: Likely benign for Hereditary nonpolyposis colorectal neoplasms. Last evaluated: 2025-01-28. Review status: criteria provided, single submitter. Criteria: Invitae Variant Classification Sherloc (09022015). Collection method: clinical testing. Allele origin: germline.

Ambry Genetics
Classification: Uncertain significance for Hereditary cancer-predisposing syndrome. Last evaluated: 2023-08-01. Review status: criteria provided, single submitter. Criteria: Ambry Variant Classification Scheme 2023. Collection method: clinical testing. Allele origin: germline.
Comment: The c.4001+5_4001+62dup58 intronic variant, results from a duplication of 116 nucleotides at nucleotide position 4001 after intron 9 of the MSH6 gene. These nucleotide positions are not well conserved in available vertebrate species. In silico splice site analysis for this alteration is inconclusive and direct evidence is insufficient at this time (Ambry internal data). Since supporting evidence is limited at this time, the clinical significance of this alteration remains unclear.